The following is an entry in ClinVar:

NM_007294.4(BRCA1):c.3877_3878delinsTT (p.Ala1293Phe)

Genes: BRCA1 (BRCA1 DNA repair associated; minus strand), LOC126862571 (BRD4-independent group 4 enhancer GRCh37_chr17:41243136-41244335; plus strand). Cytogenetic location: 17q21.31.
Variant type: Indel.
Coding change: c.3877_3878delinsTT on transcript NM_007294.4 (MANE Select); coding-DNA positions 3877 to 3878, GC replaced by TT.
Protein change: p.Ala1293Phe; replaces alanine 1293 with phenylalanine.
Molecular consequence: missense variant. On other transcripts: intron variant (135).
Genome position (GRCh38, 1-based): chr17:43,091,653-43,091,654, GC replaced by AA on the plus strand (GC replaced by TT on the coding strand, the reverse complement: BRCA1 is on the minus strand). VCF-style: chr17-43091653-GC-AA. GRCh37 (hg19) VCF-style: chr17-41243670-GC-AA.
Other names: c.3664_3665delinsTT, p.Ala1222Phe (NM_001407571.1, NM_001407853.1, NM_001407894.1 and 9 more transcripts); c.3877_3878delinsTT, p.Ala1293Phe (NM_001407581.1, NM_001407582.1, NM_001407583.1 and 30 more transcripts); c.3874_3875delinsTT, p.Ala1292Phe (NM_001407587.1, NM_001407590.1, NM_001407591.1 and 22 more transcripts); c.3868_3869delinsTT, p.Ala1290Phe (NM_001407646.1, NM_001407647.1); c.3754_3755delinsTT, p.Ala1252Phe (NM_001407648.1, NM_001407664.1, NM_001407665.1 and 19 more transcripts); c.3751_3752delinsTT, p.Ala1251Phe (NM_001407649.1, NM_001407670.1, NM_001407671.1 and 11 more transcripts); c.3799_3800delinsTT, p.Ala1267Phe (NM_001407653.1, NM_001407654.1, NM_001407655.1 and 4 more transcripts); c.3796_3797delinsTT, p.Ala1266Phe (NM_001407659.1, NM_001407660.1, NM_001407661.1 and 1 more transcripts); and 42 more; short protein forms A1223F, A1266F, A1166F, A1182F, A1245F, A1252F, A1290F, A1292F.
Identifiers: ClinVar variation 1735756 (VCV001735756.5), dbSNP rs2552130085, ClinGen allele CA2580094264.

ClinVar aggregate classification (germline): Conflicting classifications of pathogenicity. Review status: criteria provided, conflicting classifications (1 of 4 stars). 3 submissions from 3 submitters: Uncertain significance (2); Likely benign (1). Last evaluated 2023-03-23.

Conditions:
Hereditary cancer-predisposing syndrome. Also called: Neoplastic Syndromes, Hereditary; Tumor predisposition; Hereditary Cancer Syndrome; Hereditary neoplastic syndrome. Identifiers: Orphanet 140162, MedGen C0027672, MeSH D009386, MONDO:0015356.

Submissions (3):

University of Washington Department of Laboratory Medicine, University of Washington
Classification: Likely benign for Hereditary cancer-predisposing syndrome. Last evaluated: 2023-03-23. Review status: criteria provided, single submitter. Criteria: Dines et al. (Genet Med. 2020). Collection method: curation. Allele origin: germline.
Comment: Missense variant in a coldspot region where missense variants are very unlikely to be pathogenic (PMID:31911673).

BRCA1 coldspot (exon 11 using historical exon numbering). Reclassification based on statistical prior probability

GeneDx
Classification: Uncertain significance. Last evaluated: 2022-08-09. Review status: criteria provided, single submitter. Criteria: GeneDx Variant Classification Process June 2021. Collection method: clinical testing. Allele origin: germline. Affected: yes.
Comment: Not observed at significant frequency in large population cohorts (gnomAD); Has not been previously published as pathogenic or benign to our knowledge; In-silico analysis is inconclusive as to whether the variant alters gene splicing. In the absence of RNA/functional studies, the actual effect of this sequence change is unknown; Also known as 3996_3997delinsTT

Ambry Genetics
Classification: Uncertain significance for Hereditary cancer-predisposing syndrome. Last evaluated: 2020-11-06. Review status: criteria provided, single submitter. Criteria: Ambry Variant Classification Scheme 2023. Collection method: clinical testing. Allele origin: germline.
Comment: The c.3877_3878delGCinsTT variant (also known as p.A1293F), located in coding exon 9 of the BRCA1 gene, results from an in-frame deletion of GC and insertion of TT at nucleotide positions 3877 to 3878. This results in the substitution of the alanine residue for a phenylalanine residue at codon 1293, an amino acid with dissimilar properties. This amino acid position is poorly conserved in available vertebrate species. In addition, this alteration is predicted to be neutral by in silico analysis (Choi Y et al. PLoS ONE. 2012; 7(10):e46688). Since supporting evidence is limited at this time, the clinical significance of this alteration remains unclear.